The following is an entry in ClinVar:

ClinVar aggregate classification (germline): Benign. Review status: criteria provided, multiple submitters, no conflicts (2 of 4 stars). 2 submissions from 2 submitters: Benign (2). Last evaluated 2025-09-09.

Submissions (2):

Labcorp Genetics (formerly Invitae), Labcorp
Classification: Benign. Last evaluated: 2025-09-09. Review status: criteria provided, single submitter. Criteria: Invitae Variant Classification Sherloc (09022015). Collection method: clinical testing. Allele origin: germline.

CeGaT Center for Human Genetics Tuebingen
Classification: Benign. Last evaluated: 2022-04-01. Review status: criteria provided, single submitter. Criteria: CeGaT Center For Human Genetics Tuebingen Variant Classification Criteria Version 2. Collection method: clinical testing. Allele origin: germline. Affected: yes. Observed: 1 variant allele.
Comment: BPTF: BS1, BS2

NM_182641.4(BPTF):c.229CCG[5] (p.Pro82del)

Gene: BPTF (bromodomain PHD finger transcription factor; plus strand). Cytogenetic location: 17q24.2.
Variant type: Microsatellite.
Coding change: c.229CCG[5] on transcript NM_182641.4 (MANE Select); five copies in a row of the 3-base unit CCG starting at c.229; the reference has six copies in a row; one copy, 3 bases deleted.
Protein change: p.Pro82del; deletes proline 82.
Molecular consequence: inframe deletion.
Genome position (GRCh38, 1-based): chr17:67,825,968-67,825,970, CCG deleted; deleting any 3 consecutive bases within chr17:67,825,952-67,825,970 gives the same sequence; the position shown is the placement nearest the transcript's 3' end. VCF-style (leftmost placement, unchanged base first): chr17-67825951-AGCC-A. GRCh37 (hg19) VCF-style: chr17-65822067-AGCC-A.
Other names: c.229CCG[5], p.Pro82del (NM_004459.7); short protein forms P82del.
Identifiers: ClinVar variation 1970930 (VCV001970930.29), dbSNP rs955533308, ClinGen allele CA293236479.
Genomic context (GRCh38, chr17:67,825,951, plus strand): 5'-CTGAGGTGGCGCCCAAGACGCGGCTGAGCTCGCCCAGGGGGGGCAGCAGTAGCCGGAGGA[AGCC>A]GCCGCCGCCGCCGCCGGCCCCCCCCAGCACCAGCGCCCCGGGCCGGGGGGGGCGAGGAGG-3'